The following is an entry in ClinVar:

ClinVar aggregate classification (germline): Uncertain significance. Review status: criteria provided, multiple submitters, no conflicts (2 of 4 stars). 4 submissions from 4 submitters: Uncertain significance (3). 1 of the submissions does not count toward it. Last evaluated 2024-07-23.

Conditions:
Retinitis pigmentosa 25 (RP25). Identifiers: Orphanet 791, MedGen C1864446, MONDO:0011272, OMIM 602772.
Retinitis pigmentosa (RP). Identifiers: Orphanet 791, MedGen C0035334, MeSH D012174, MONDO:0019200, OMIM 268000. Inheritance: Autosomal dominant, autosomal recessive and X linked inheritance.

Allele frequency attached by ClinVar (database versions not stated): gnomAD exomes 0.00003; TOPMed 0.00004; gnomAD 0.00008; ExAC 0.00010; 1000 Genomes Project 30x 0.00016; 1000 Genomes Project 0.00020.
gnomAD v4.1: 50 of 1,551,298 alleles (0.0032%); highest among the groups gnomAD compares: Non-Finnish European, 0.0042%; no homozygotes.

Submissions (4):

Blueprint Genetics
Classification: Uncertain significance. Last evaluated: 2024-07-23. Review status: criteria provided, single submitter. Criteria: ACMG Guidelines, 2015. Collection method: clinical testing. Allele origin: germline.

Labcorp Genetics (formerly Invitae), Labcorp
Classification: Uncertain significance. Last evaluated: 2022-06-08. Review status: criteria provided, single submitter. Criteria: Invitae Variant Classification Sherloc (09022015). Collection method: clinical testing. Allele origin: germline.
Comment: This sequence change replaces alanine, which is neutral and non-polar, with threonine, which is neutral and polar, at codon 1622 of the EYS protein (p.Ala1622Thr). This variant is present in population databases (rs533075374, gnomAD 0.004%). This variant has not been reported in the literature in individuals affected with EYS-related conditions. ClinVar contains an entry for this variant (Variation ID: 357707). Algorithms developed to predict the effect of missense changes on protein structure and function are either unavailable or do not agree on the potential impact of this missense change (SIFT: "Tolerated"; PolyPhen-2: "Probably Damaging"; Align-GVGD: "Class C0"). In summary, the available evidence is currently insufficient to determine the role of this variant in disease. Therefore, it has been classified as a Variant of Uncertain Significance.

Illumina Laboratory Services, Illumina
Classification: Uncertain significance for Retinitis pigmentosa. Last evaluated: 2018-01-13. Review status: criteria provided, single submitter. Criteria: ICSL Variant Classification Criteria 13 December 2019. Collection method: clinical testing. Allele origin: germline.

Natera, Inc.
Classification: Uncertain significance for Retinitis pigmentosa type 25. Last evaluated: 2020-07-10. Review status: no assertion criteria provided. Collection method: clinical testing. Allele origin: germline. Not counted in ClinVar's aggregate classification.

NM_001142800.2(EYS):c.4864G>A (p.Ala1622Thr)

Gene: EYS (EGF-like photoreceptor maintenance factor; minus strand). Cytogenetic location: 6q12.
Variant type: single nucleotide variant.
Coding change: c.4864G>A on transcript NM_001142800.2 (MANE Select); coding-DNA position 4864, G replaced by A.
Protein change: p.Ala1622Thr; replaces alanine 1622 with threonine.
Molecular consequence: missense variant.
Genome position (GRCh38, 1-based): chr6:64,591,003, C>T on the plus strand (G>A on the coding strand, the complement: EYS is on the minus strand). VCF-style: chr6-64591003-C-T. GRCh37 (hg19) VCF-style: chr6-65300896-C-T.
Other names: c.4864G>A, p.Ala1622Thr (NM_001292009.2); short protein forms A1622T.
Identifiers: ClinVar variation 357707 (VCV000357707.9), dbSNP rs533075374, ClinGen allele CA3877050.
Genomic context (GRCh38, chr6:64,591,003, plus strand): 5'-ATAAAATTGTTCTTTTTGCACTCTTTTTAGAAGGAAATAAAGATGGCACTTCTGTGAATG[C>T]CACTGATGGTGTTATTTCAGTAGCAGAAGAAAATGAATGCCCAGAAGTGATAGTTTGAGC-3'
Protein context (NP_001136272.1, residues 1612-1632): SSATEITPSV[Ala1622Thr]FTEVPSLFPS